The following is an entry in ClinVar:

NM_001032283.3(TMPO):c.565+1414G>A

Gene: TMPO (thymopoietin; plus strand). Cytogenetic location: 12q23.1.
Variant type: single nucleotide variant.
Coding change: c.565+1414G>A on transcript NM_001032283.3 (MANE Select); 1414 bases into the intron after coding-DNA position 565, G replaced by A.
Molecular consequence: intron variant. On other transcripts: missense variant (1).
Genome position (GRCh38, 1-based): chr12:98,533,252, G>A. VCF-style: chr12-98533252-G-A. GRCh37 (hg19) VCF-style: chr12-98927030-G-A.
Other names: c.995G>A, p.Arg332Lys (NM_003276.2); c.565+1414G>A (NM_001307975.2, NM_001032284.3); short protein forms R332K.
Identifiers: ClinVar variation 1018319 (VCV001018319.10), dbSNP rs1381728541, ClinGen allele CA386152247.
Genomic context (GRCh38, chr12:98,533,252, plus strand): 5'-CACTGATTAAAGAAACCACCACTGGTTACTATAAAGACATAGTAGAAAATATTTGCGGTA[G>A]AGAGAAAAGTGGAATTCAACCATTATGTCCTGAGAGGTCCCATATTTCAGATCAATCGCC-3'

ClinVar aggregate classification (germline): Uncertain significance. Review status: criteria provided, multiple submitters, no conflicts (2 of 4 stars). 2 submissions from 2 submitters: Uncertain significance (2). Last evaluated 2026-08-08.

Conditions:
Loeys-Dietz syndrome 2 (LDS2). Also called: TGFBR2-Related Loeys-Dietz Syndrome; AORTIC ANEURYSM, FAMILIAL THORACIC 3; MARFAN SYNDROME, TYPE II; Marfan Syndrome type 2; Marfan like connective tissue disorder; MFS 2. Identifiers: Orphanet 284973, Orphanet 558, MedGen C2674574, MONDO:0012427, OMIM 610168.

Allele frequency attached by ClinVar (database versions not stated): gnomAD exomes 0.00001 and below 0.00001; gnomAD 0.00003 and 0.00004.

Submissions (2):

Ambry Genetics
Classification: Uncertain significance. Last evaluated: 2026-08-08. Review status: criteria provided, single submitter. Criteria: Ambry Variant Classification Scheme 2023. Collection method: clinical testing. Allele origin: germline.
Comment: The p.R332K variant (also known as c.995G>A), located in coding exon 4 of the TMPO gene, results from a G to A substitution at nucleotide position 995. The arginine at codon 332 is replaced by lysine, an amino acid with highly similar properties. This amino acid position is conserved. In addition, this alteration is predicted to be tolerated by in silico analysis. Based on the available evidence, the clinical significance of this variant remains unclear.

Labcorp Genetics (formerly Invitae), Labcorp
Classification: Uncertain significance for Loeys-Dietz syndrome 2. Last evaluated: 2020-04-15. Review status: criteria provided, single submitter. Criteria: Invitae Variant Classification Sherloc (09022015). Collection method: clinical testing. Allele origin: germline.
Comment: In summary, the available evidence is currently insufficient to determine the role of this variant in disease. Therefore, it has been classified as a Variant of Uncertain Significance. This sequence change replaces arginine with lysine at codon 332 of the TMPO protein (p.Arg332Lys). The arginine residue is weakly conserved and there is a small physicochemical difference between arginine and lysine. This variant is not present in population databases (ExAC no frequency). This variant has not been reported in the literature in individuals with TMPO-related conditions. Algorithms developed to predict the effect of missense changes on protein structure and function (SIFT, PolyPhen-2, Align-GVGD) all suggest that this variant is likely to be tolerated, but these predictions have not been confirmed by published functional studies and their clinical significance is uncertain. Algorithms developed to predict the effect of sequence changes on RNA splicing suggest that this variant may create or strengthen a splice site, but this prediction has not been confirmed by published transcriptional studies.